The following is an entry in ClinVar:

NM_003289.4(TPM2):c.428T>A (p.Leu143Gln)

Gene: TPM2 (tropomyosin 2; minus strand). Cytogenetic location: 9p13.3.
Variant type: single nucleotide variant.
Coding change: c.428T>A on transcript NM_003289.4 (MANE Select); coding-DNA position 428, T replaced by A.
Protein change: p.Leu143Gln; replaces leucine 143 with glutamine.
Molecular consequence: missense variant.
Genome position (GRCh38, 1-based): chr9:35,685,498, A>T on the plus strand (T>A on the coding strand, the complement: TPM2 is on the minus strand). VCF-style: chr9-35685498-A-T. GRCh37 (hg19) VCF-style: chr9-35685495-A-T.
Other names: c.428T>A (NM_003289.3); c.428T>A, p.Leu143Gln (NM_001301226.2, NM_001301227.2, NM_213674.1); short protein forms L143Q.
Identifiers: ClinVar variation 1524067 (VCV001524067.9), dbSNP rs1824848681, ClinGen allele CA373367433.

ClinVar aggregate classification (germline): Uncertain significance. Review status: criteria provided, multiple submitters, no conflicts (2 of 4 stars). 2 submissions from 2 submitters: Uncertain significance (2). Last evaluated 2024-11-12.

Conditions:
Arthrogryposis, distal, type 1A. Also called: ARTHROGRYPOSIS MULTIPLEX CONGENITA, DISTAL, TYPE I. Identifiers: Orphanet 1146, MedGen C6022280, MONDO:0007157, OMIM 108120.

Allele frequency attached by ClinVar (database versions not stated): TOPMed below 0.00001; gnomAD exomes 0.00001.
gnomAD v4.1: 8 of 1,614,212 alleles (0.0005%); highest among the groups gnomAD compares: Non-Finnish European, 0.00068%; no homozygotes.

Submissions (2):

Revvity Omics, Revvity
Classification: Uncertain significance. Last evaluated: 2024-11-12. Review status: criteria provided, single submitter. Criteria: ACMG Guidelines, 2015. Collection method: clinical testing. Allele origin: germline.

Labcorp Genetics (formerly Invitae), Labcorp
Classification: Uncertain significance for Arthrogryposis, distal, type 1A. Last evaluated: 2022-09-01. Review status: criteria provided, single submitter. Criteria: Invitae Variant Classification Sherloc (09022015). Collection method: clinical testing. Allele origin: germline.
Comment: In summary, the available evidence is currently insufficient to determine the role of this variant in disease. Therefore, it has been classified as a Variant of Uncertain Significance. Algorithms developed to predict the effect of missense changes on protein structure and function are either unavailable or do not agree on the potential impact of this missense change (SIFT: "Tolerated"; PolyPhen-2: "Possibly Damaging"; Align-GVGD: "Class C0"). ClinVar contains an entry for this variant (Variation ID: 1524067). This variant has not been reported in the literature in individuals affected with TPM2-related conditions. This variant is not present in population databases (gnomAD no frequency). This sequence change replaces leucine, which is neutral and non-polar, with glutamine, which is neutral and polar, at codon 143 of the TPM2 protein (p.Leu143Gln).